The following is an entry in ClinVar:

NM_016239.4(MYO15A):c.2336C>T (p.Ser779Leu)

Gene: MYO15A (myosin XVA; plus strand). Cytogenetic location: 17p11.2.
Variant type: single nucleotide variant.
Coding change: c.2336C>T on transcript NM_016239.4 (MANE Select); coding-DNA position 2336, C replaced by T.
Protein change: p.Ser779Leu; replaces serine 779 with leucine.
Molecular consequence: missense variant.
Genome position (GRCh38, 1-based): chr17:18,121,136, C>T. VCF-style: chr17-18121136-C-T. GRCh37 (hg19) VCF-style: chr17-18024450-C-T.
Other names: short protein forms S779L.
Identifiers: ClinVar variation 3236422 (VCV003236422.2), dbSNP rs2045918421, ClinGen allele CA398583833.

ClinVar aggregate classification (germline): Uncertain significance (1 of 4 stars; one submission).

Conditions:
Autosomal recessive nonsyndromic hearing loss 3. Also called: NEUROSENSORY NONSYNDROMIC RECESSIVE DEAFNESS 3. Identifiers: Orphanet 90636, MedGen C1838263, MONDO:0010860, OMIM 600316.

Submission:

Neuberg Centre For Genomic Medicine, NCGM
Classification: Uncertain significance for Autosomal recessive nonsyndromic hearing loss 3. Review status: criteria provided, single submitter. Criteria: ACMG Guidelines, 2015. Collection method: clinical testing. Allele origin: germline. Inheritance: Autosomal recessive inheritance. Affected: yes.
Comment: The missense variant c.2336C>T p.Ser779Leu in the MYO15A gene has not been reported previously as a pathogenic variant nor as a benign variant, to our knowledge. This variant is novel not in any individuals in gnomAD Exomes and 1000 Genomes. The amino acid Serine at position 779 is changed to a Leucine changing protein sequence and it might alter its composition and physico-chemical properties. The variant is predicted as damaging by SIFT. The amino acid change p.Ser779Leu in MYO15A is predicted as conserved by GERP++. For these reasons, this variant has been classified as Uncertain Significance.